The following is an entry in ClinVar:

NM_000059.4(BRCA2):c.7436-1G>A

Gene: BRCA2 (BRCA2 DNA repair associated; plus strand). Cytogenetic location: 13q13.1.
Variant type: single nucleotide variant.
Coding change: c.7436-1G>A on transcript NM_000059.4 (MANE Select); the canonical splice acceptor site of the intron before coding-DNA position 7436, G replaced by A.
Molecular consequence: splice acceptor variant.
Genome position (GRCh38, 1-based): chr13:32,356,427, G>A. VCF-style: chr13-32356427-G-A. GRCh37 (hg19) VCF-style: chr13-32930564-G-A.
Other names: c.7436-1G>A (NM_000059.3, NM_001406720.1); c.7340-1G>A (NM_001406719.1); c.2504-1G>A (NM_001406721.1); c.1019-1G>A (NM_001406722.1).
Identifiers: ClinVar variation 1758903 (VCV001758903.5), dbSNP rs886040939, ClinGen allele CA387742943.

ClinVar aggregate classification (germline): Pathogenic/Likely pathogenic. Review status: criteria provided, multiple submitters, no conflicts (2 of 4 stars). 3 submissions from 3 submitters: Pathogenic (1); Likely pathogenic (2). Last evaluated 2025-05-15.

Conditions:
Hereditary cancer-predisposing syndrome. Also called: Neoplastic Syndromes, Hereditary; Tumor predisposition; Hereditary Cancer Syndrome; Hereditary neoplastic syndrome. Identifiers: Orphanet 140162, MedGen C0027672, MeSH D009386, MONDO:0015356.
Hereditary breast ovarian cancer syndrome. Also called: Hereditary breast and/or ovarian cancer syndrome; Hereditary breast and ovarian cancer syndrome; Breast and ovarian cancer; Hereditary breast and ovarian cancer; BRCA1- and BRCA2-Associated Hereditary Breast and Ovarian Cancer; Hereditary breast and ovarian cancer syndrome (HBOC). Identifiers: Orphanet 145, MedGen C0677776, MeSH D061325, MONDO:0003582. Disease mechanism: loss of function.

Submissions (3):

GeneKor MSA
Classification: Likely pathogenic for Hereditary breast ovarian cancer syndrome. Last evaluated: 2025-05-15. Review status: criteria provided, single submitter. Criteria: ACMG Guidelines, 2015. Collection method: clinical testing. Allele origin: germline. Affected: yes.
Comment: This sequence change affects an acceptor splice site in intron 15 of the BRCA2 gene. This nucleotide position is highly conserved in available vertebrate species. Disruption of this splice site induces altered splicing and may result in an absent or disrupted protein product. This variant is not present in population databases. ClinVar contains an entry for this variant (VCV001758903.3). Algorithms developed to predict the effect of sequence changes on RNA splicing suggest that this variant may disrupt the consensus splice site,which is confirmed experimentally (PMID:31191615). Therefore, this variant has been classified as Likely Pathogenic. Based on the classification criteria set by the ACMG and AMP (PMID:25741868) this variant has been classified as Likely Pathogenic.

Labcorp Genetics (formerly Invitae), Labcorp
Classification: Pathogenic for Hereditary breast ovarian cancer syndrome. Last evaluated: 2024-04-01. Review status: criteria provided, single submitter. Criteria: Invitae Variant Classification Sherloc (09022015). Collection method: clinical testing. Allele origin: germline.
Comment: This sequence change affects an acceptor splice site in intron 14 of the BRCA2 gene. RNA analysis indicates that disruption of this splice site induces altered splicing and may result in an absent or disrupted protein product. This variant is not present in population databases (gnomAD no frequency). Disruption of this splice site has been observed in individual(s) with BRCA2-related conditions (PMID: 30287823, 32599251). ClinVar contains an entry for this variant (Variation ID: 1758903). Studies have shown that disruption of this splice site alters mRNA splicing and is expected to lead to the loss of protein expression (PMID: 31191615; Invitae). For these reasons, this variant has been classified as Pathogenic.

Ambry Genetics
Classification: Likely pathogenic for Hereditary cancer-predisposing syndrome. Last evaluated: 2020-12-22. Review status: criteria provided, single submitter. Criteria: Ambry Variant Classification Scheme 2023. Collection method: clinical testing. Allele origin: germline.
Comment: The c.7436-1G>A intronic variant results from a G to A substitution one nucleotide upstream from coding exon 14 of the BRCA2 gene. Minigene RNA analysis has demonstrated that this alteration results in aberrant splicing (Fraile-Bethencourt E et al. Front Genet, 2019 May;10:503). This nucleotide position is well conserved in available vertebrate species. In silico splice site analysis predicts that this alteration will weaken the native splice acceptor site and will result in the creation or strengthening of a novel splice acceptor site. Alterations that disrupt the canonical splice site are expected to cause aberrant splicing, resulting in an abnormal protein or a transcript that is subject to nonsense-mediated mRNA decay. As such, this alteration is classified as likely pathogenic.

Literature cited by the submitters: PubMed 31191615 (cited by 3 submitters); PubMed 30287823 (cited by Labcorp Genetics (formerly Invitae), Labcorp); PubMed 32599251 (cited by Labcorp Genetics (formerly Invitae), Labcorp).